The following is an entry in ClinVar:

NM_000525.4(KCNJ11):c.1159G>A (p.Asp387Asn)

Gene: KCNJ11 (potassium inwardly rectifying channel subfamily J member 11; minus strand). Cytogenetic location: 11p15.1.
Variant type: single nucleotide variant.
Coding change: c.1159G>A on transcript NM_000525.4 (MANE Select); coding-DNA position 1159, G replaced by A.
Protein change: p.Asp387Asn; replaces aspartic acid 387 with asparagine.
Molecular consequence: missense variant.
Genome position (GRCh38, 1-based): chr11:17,386,933, C>T on the plus strand (G>A on the coding strand, the complement: KCNJ11 is on the minus strand). VCF-style: chr11-17386933-C-T. GRCh37 (hg19) VCF-style: chr11-17408480-C-T.
Other names: c.898G>A, p.Asp300Asn (NM_001166290.2, NM_001377296.1, NM_001377297.1); short protein forms D300N, D387N.
Identifiers: ClinVar variation 3339027 (VCV003339027.1).

ClinVar aggregate classification (germline): Uncertain significance (1 of 4 stars; one submission).

Submission:

Women's Health and Genetics/Laboratory Corporation of America, LabCorp
Classification: Uncertain significance. Last evaluated: 2024-07-09. Review status: criteria provided, single submitter. Criteria: LabCorp Variant Classification Summary - May 2015. Collection method: clinical testing. Allele origin: germline.
Comment: Variant summary: KCNJ11 c.1159G>A (p.Asp387Asn) results in a conservative amino acid change in the encoded protein sequence. Three of five in-silico tools predict a benign effect of the variant on protein function. The variant allele was found at a frequency of 4e-06 in 249900 control chromosomes (gnomAD). The available data on variant occurrences in the general population are insufficient to allow any conclusion about variant significance. To our knowledge, no occurrence of c.1159G>A in individuals affected with Neonatal Diabetes Mellitus/Maturity Onset Diabetes Of The Young and no experimental evidence demonstrating its impact on protein function have been reported. No submitters have cited clinical-significance assessments for this variant to ClinVar. Based on the evidence outlined above, the variant was classified as uncertain significance.